The following is an entry in ClinVar:

NM_004423.4(DVL3):c.318G>A (p.Thr106=)

Gene: DVL3 (dishevelled segment polarity protein 3; plus strand). Cytogenetic location: 3q27.1.
Variant type: single nucleotide variant.
Coding change: c.318G>A on transcript NM_004423.4 (MANE Select); coding-DNA position 318, G replaced by A.
Protein change: p.Thr106=; no amino-acid change (threonine 106 retained).
Molecular consequence: synonymous variant.
Genome position (GRCh38, 1-based): chr3:184,164,353, G>A. VCF-style: chr3-184164353-G-A. GRCh37 (hg19) VCF-style: chr3-183882141-G-A.
Identifiers: ClinVar variation 3712656 (VCV003712656.8).

ClinVar aggregate classification (germline): Likely benign. Review status: criteria provided, multiple submitters, no conflicts (2 of 4 stars). 2 submissions from 2 submitters: Likely benign (2). Last evaluated 2025-10-01.

gnomAD v4.1: 39 of 1,614,054 alleles (0.0024%); highest among the groups gnomAD compares: African/African-American, 0.019%; no homozygotes.

Submissions (2):

CeGaT Center for Human Genetics Tuebingen
Classification: Likely benign. Last evaluated: 2025-10-01. Review status: criteria provided, single submitter. Criteria: CeGaT Center For Human Genetics Tuebingen Variant Classification Criteria Version 2. Collection method: clinical testing. Allele origin: germline. Affected: yes. Observed: 1 variant allele.
Comment: DVL3: BP4, BP7

Labcorp Genetics (formerly Invitae), Labcorp
Classification: Likely benign. Last evaluated: 2024-07-08. Review status: criteria provided, single submitter. Criteria: Invitae Variant Classification Sherloc (09022015). Collection method: clinical testing. Allele origin: germline.